The following is an entry in ClinVar:

NM_001367805.3(KIF23):c.81+6G>A

Gene: KIF23 (kinesin family member 23; plus strand). Cytogenetic location: 15q23.
Variant type: single nucleotide variant.
Coding change: c.81+6G>A on transcript NM_001367805.3 (MANE Select); 6 bases into the intron after coding-DNA position 81, G replaced by A.
Molecular consequence: intron variant.
Genome position (GRCh38, 1-based): chr15:69,416,069, G>A. VCF-style: chr15-69416069-G-A. GRCh37 (hg19) VCF-style: chr15-69708408-G-A.
Other names: p.?; c.81+6G>A (NM_138555.4, NM_001367804.2, NM_004856.7); c.-113+6G>A (NM_001281301.2).
Identifiers: ClinVar variation 779893 (VCV000779893.13), dbSNP rs112860684, ClinGen allele CA7634788.

ClinVar aggregate classification (germline): Benign/Likely benign. Review status: criteria provided, multiple submitters, no conflicts (2 of 4 stars). 5 submissions from 5 submitters: Benign (2); Likely benign (2). 1 of the submissions does not count toward it. Last evaluated 2026-01-24.

Conditions:
KIF23-related disorder. Also called: KIF23-related condition.

Allele frequency attached by ClinVar (database versions not stated): ESP Exome Variant Server 0.00346; gnomAD 0.00399 and 0.00421; TOPMed 0.00418; 1000 Genomes Project 0.00499; 1000 Genomes Project 30x 0.00609.
gnomAD v4.1: 1,136 of 1,555,652 alleles (0.073%); highest among the groups gnomAD compares: African/African-American, 1.4%; 6 homozygotes.

Submissions (5):

Labcorp Genetics (formerly Invitae), Labcorp
Classification: Benign. Last evaluated: 2026-01-24. Review status: criteria provided, single submitter. Criteria: Invitae Variant Classification Sherloc (09022015). Collection method: clinical testing. Allele origin: germline.

Mayo Clinic Laboratories, Mayo Clinic
Classification: Likely benign. Last evaluated: 2025-02-18. Review status: criteria provided, single submitter. Criteria: ACMG Guidelines, 2015. Collection method: clinical testing. Allele origin: germline. Observed: 12 variant alleles.

Blueprint Genetics
Classification: Likely benign. Last evaluated: 2024-11-06. Review status: criteria provided, single submitter. Criteria: ACMG Guidelines, 2015. Collection method: clinical testing. Allele origin: germline.

Breakthrough Genomics
Classification: Benign. Review status: criteria provided, single submitter. Criteria: ACMG Guidelines, 2015. Collection method: not provided. Allele origin: germline. Inheritance: Autosomal dominant inheritance. Affected: yes.

PreventionGenetics, part of Exact Sciences
Classification: Benign for KIF23-related condition. Last evaluated: 2019-08-14. Review status: no assertion criteria provided. Collection method: clinical testing. Allele origin: germline. Not counted in ClinVar's aggregate classification.
Comment: This variant is classified as benign based on ACMG/AMP sequence variant interpretation guidelines (Richards et al. 2015 PMID: 25741868, with internal and published modifications).